The following is an entry in ClinVar:

NM_020821.3(VPS13C):c.10G>C (p.Glu4Gln)

Genes: VPS13C (vacuolar protein sorting 13 homolog C; minus strand), LOC130057212 (ATAC-STARR-seq lymphoblastoid silent region 6502; plus strand). Cytogenetic location: 15q22.2.
Variant type: single nucleotide variant.
Coding change: c.10G>C on transcript NM_020821.3 (MANE Select); coding-DNA position 10, G replaced by C.
Protein change: p.Glu4Gln; replaces glutamic acid 4 with glutamine.
Molecular consequence: missense variant.
Genome position (GRCh38, 1-based): chr15:62,060,365, C>G on the plus strand (G>C on the coding strand, the complement: VPS13C is on the minus strand). VCF-style: chr15-62060365-C-G. GRCh37 (hg19) VCF-style: chr15-62352564-C-G.
Other names: c.10G>C, p.Glu4Gln (NM_001018088.3, NM_017684.5, NM_018080.4); short protein forms E4Q.
Identifiers: ClinVar variation 1426168 (VCV001426168.6), dbSNP rs780418987, ClinGen allele CA7597735.

ClinVar aggregate classification (germline): Uncertain significance (1 of 4 stars; one submission).

Allele frequency attached by ClinVar (database versions not stated): ExAC 0.00001.
gnomAD v4.1: 1 of 1,583,262 alleles (0.000063%); highest among the groups gnomAD compares: Non-Finnish European, 0.000086%; no homozygotes.

Submission:

Labcorp Genetics (formerly Invitae), Labcorp
Classification: Uncertain significance. Last evaluated: 2021-11-14. Review status: criteria provided, single submitter. Criteria: Invitae Variant Classification Sherloc (09022015). Collection method: clinical testing. Allele origin: germline.
Comment: In summary, the available evidence is currently insufficient to determine the role of this variant in disease. Therefore, it has been classified as a Variant of Uncertain Significance. This sequence change replaces glutamic acid, which is acidic and polar, with glutamine, which is neutral and polar, at codon 4 of the VPS13C protein (p.Glu4Gln). The frequency data for this variant in the population databases is considered unreliable, as metrics indicate poor data quality at this position in the gnomAD database. Algorithms developed to predict the effect of missense changes on protein structure and function are either unavailable or do not agree on the potential impact of this missense change (SIFT: "Deleterious"; PolyPhen-2: "Probably Damaging"; Align-GVGD: "Class C0"). This variant has not been reported in the literature in individuals affected with VPS13C-related conditions.